The following is an entry in ClinVar:

ClinVar aggregate classification (germline): Uncertain significance. Review status: criteria provided, multiple submitters, no conflicts (2 of 4 stars). 2 submissions from 2 submitters: Uncertain significance (2). Last evaluated 2023-11-10.

Conditions:
Hereditary cancer-predisposing syndrome. Also called: Hereditary neoplastic syndrome; Tumor predisposition; Neoplastic Syndromes, Hereditary; Hereditary Cancer Syndrome. Identifiers: Orphanet 140162, MedGen C0027672, MeSH D009386, MONDO:0015356.

Submissions (2):

Ambry Genetics
Classification: Uncertain significance for Hereditary cancer-predisposing syndrome. Last evaluated: 2023-11-10. Review status: criteria provided, single submitter. Criteria: Ambry Variant Classification Scheme 2023. Collection method: clinical testing. Allele origin: germline.
Comment: The p.N8S variant (also known as c.23A>G), located in coding exon 1 of the CTNNA1 gene, results from an A to G substitution at nucleotide position 23. The asparagine at codon 8 is replaced by serine, an amino acid with highly similar properties. This amino acid position is highly conserved in available vertebrate species. In addition, this alteration is predicted to be tolerated by in silico analysis. Since supporting evidence is limited at this time, the clinical significance of this alteration remains unclear.

Labcorp Genetics (formerly Invitae), Labcorp
Classification: Uncertain significance. Last evaluated: 2018-09-18. Review status: criteria provided, single submitter. Criteria: Invitae Variant Classification Sherloc (09022015). Collection method: clinical testing. Allele origin: germline.
Comment: Algorithms developed to predict the effect of missense changes on protein structure and function are either unavailable or do not agree on the potential impact of this missense change (SIFT: "Deleterious"; PolyPhen-2: "Benign"; Align-GVGD: "Class C0"). In summary, the available evidence is currently insufficient to determine the role of this variant in disease. Therefore, it has been classified as a Variant of Uncertain Significance. This variant has not been reported in the literature in individuals with CTNNA1-related disease. This variant is not present in population databases (ExAC no frequency). This sequence change replaces asparagine with serine at codon 8 of the CTNNA1 protein (p.Asn8Ser). The asparagine residue is highly conserved and there is a small physicochemical difference between asparagine and serine.

NM_001903.5(CTNNA1):c.23A>G (p.Asn8Ser)

Gene: CTNNA1 (catenin alpha 1; plus strand). Cytogenetic location: 5q31.2.
Variant type: single nucleotide variant.
Coding change: c.23A>G on transcript NM_001903.5 (MANE Select); coding-DNA position 23, A replaced by G.
Protein change: p.Asn8Ser; replaces asparagine 8 with serine.
Molecular consequence: missense variant. On other transcripts: 5 prime UTR variant (2).
Genome position (GRCh38, 1-based): chr5:138,781,947, A>G. VCF-style: chr5-138781947-A-G. GRCh37 (hg19) VCF-style: chr5-138117636-A-G.
Other names: c.23A>G (NM_001903.2); c.23A>G, p.Asn8Ser (NM_001290307.3, NM_001323982.2, NM_001323983.1 and 3 more transcripts); c.-91A>G (NM_001290309.3); c.-184A>G (NM_001290310.3); short protein forms N8S.
Identifiers: ClinVar variation 655933 (VCV000655933.9), dbSNP rs1580978002, ClinGen allele CA361477064.
Genomic context (GRCh38, chr5:138,781,947, plus strand): 5'-GATGTTTGCCTGACTGACTTTTTGTTTCTTATTTAGAAATGACTGCTGTCCATGCAGGCA[A>G]CATAAACTTCAAGTGGGATCCTAAAAGTCTAGAGATCAGGACTCTGGCAGTTGAGAGACT-3'
Protein context (NP_001894.2, residues 1-18): MTAVHAG[Asn8Ser]INFKWDPKSL